The following is an entry in ClinVar:

NM_002880.4(RAF1):c.1355C>A (p.Thr452Lys)

Gene: RAF1 (Raf-1 proto-oncogene, serine/threonine kinase; minus strand). Cytogenetic location: 3p25.2.
Variant type: single nucleotide variant.
Coding change: c.1355C>A on transcript NM_002880.4 (MANE Select); coding-DNA position 1355, C replaced by A.
Protein change: p.Thr452Lys; replaces threonine 452 with lysine.
Molecular consequence: missense variant. On other transcripts: non-coding transcript variant (3).
Genome position (GRCh38, 1-based): chr3:12,590,813, G>T on the plus strand (C>A on the coding strand, the complement: RAF1 is on the minus strand). VCF-style: chr3-12590813-G-T. GRCh37 (hg19) VCF-style: chr3-12632312-G-T.
Other names: c.1415C>A, p.Thr472Lys (NM_001354689.3); c.1355C>A, p.Thr452Lys (NM_001354690.3); c.1112C>A, p.Thr371Lys (NM_001354691.3, NM_001354692.3); c.1256C>A, p.Thr419Lys (NM_001354693.3); c.1172C>A, p.Thr391Lys (NM_001354694.3); c.1013C>A, p.Thr338Lys (NM_001354695.3); short protein forms T338K, T371K, T391K, T419K, T452K, T472K.
Identifiers: ClinVar variation 999949 (VCV000999949.9), dbSNP rs555781462, ClinGen allele CA351501694.

ClinVar aggregate classification (germline): Uncertain significance (1 of 4 stars; one submission).

Conditions:
RASopathy. Also called: rasopathies; Noonan spectrum disorder. Identifiers: Orphanet 536391, MedGen C5555857, MONDO:0021060.

Submission:

Labcorp Genetics (formerly Invitae), Labcorp
Classification: Uncertain significance for RASopathy. Last evaluated: 2020-01-23. Review status: criteria provided, single submitter. Criteria: Invitae Variant Classification Sherloc (09022015). Collection method: clinical testing. Allele origin: germline.
Comment: In summary, the available evidence is currently insufficient to determine the role of this variant in disease. Therefore, it has been classified as a Variant of Uncertain Significance. Algorithms developed to predict the effect of missense changes on protein structure and function are either unavailable or do not agree on the potential impact of this missense change (SIFT: "Deleterious"; PolyPhen-2: "Probably Damaging"; Align-GVGD: "Class C0"). This variant has not been reported in the literature in individuals with RAF1-related conditions. This variant is not present in population databases (ExAC no frequency). This sequence change replaces threonine with lysine at codon 452 of the RAF1 protein (p.Thr452Lys). The threonine residue is moderately conserved and there is a moderate physicochemical difference between threonine and lysine.